The following is an entry in ClinVar:

NM_000214.3(JAG1):c.1357G>A (p.Asp453Asn)

Gene: JAG1 (jagged canonical Notch ligand 1; minus strand). Cytogenetic location: 20p12.2.
Variant type: single nucleotide variant.
Coding change: c.1357G>A on transcript NM_000214.3 (MANE Select); coding-DNA position 1357, G replaced by A.
Protein change: p.Asp453Asn; replaces aspartic acid 453 with asparagine.
Molecular consequence: missense variant.
Genome position (GRCh38, 1-based): chr20:10,649,099, C>T on the plus strand (G>A on the coding strand, the complement: JAG1 is on the minus strand). VCF-style: chr20-10649099-C-T. GRCh37 (hg19) VCF-style: chr20-10629747-C-T.
Other names: c.1357G>A (NM_000214.2); short protein forms D453N.
Identifiers: ClinVar variation 2839550 (VCV002839550.4), dbSNP rs1600184118, ClinGen allele CA408238047.

ClinVar aggregate classification (germline): Uncertain significance. Review status: criteria provided, multiple submitters, no conflicts (2 of 4 stars). 2 submissions from 2 submitters: Uncertain significance (2). Last evaluated 2025-05-09.

Conditions:
Alagille syndrome due to a JAG1 point mutation. Also called: HEPATIC DUCTULAR HYPOPLASIA, SYNDROMATIC; JAG1-Related Alagille Syndrome; Alagille Syndrome 1. Identifiers: Orphanet 261619, Orphanet 52, MedGen C1956125, MONDO:0016862, OMIM 118450.

Allele frequency attached by ClinVar (database versions not stated): gnomAD exomes below 0.00001.
gnomAD v4.1: 1 of 1,604,190 alleles (0.000062%); highest among the groups gnomAD compares: Non-Finnish European, 0.000085%; no homozygotes.

Submissions (2):

GeneDx
Classification: Uncertain significance. Last evaluated: 2025-05-09. Review status: criteria provided, single submitter. Criteria: GeneDx Variant Classification Process June 2021. Collection method: clinical testing. Allele origin: germline. Affected: yes.
Comment: Not observed at significant frequency in large population cohorts (gnomAD); In silico analysis supports that this missense variant has a deleterious effect on protein structure/function; Has not been previously published as pathogenic or benign to our knowledge

Labcorp Genetics (formerly Invitae), Labcorp
Classification: Uncertain significance for Alagille syndrome due to a JAG1 point mutation. Last evaluated: 2023-03-14. Review status: criteria provided, single submitter. Criteria: Invitae Variant Classification Sherloc (09022015). Collection method: clinical testing. Allele origin: germline.
Comment: This variant is not present in population databases (gnomAD no frequency). This sequence change replaces aspartic acid, which is acidic and polar, with asparagine, which is neutral and polar, at codon 453 of the JAG1 protein (p.Asp453Asn). This variant has not been reported in the literature in individuals affected with JAG1-related conditions. Advanced modeling of protein sequence and biophysical properties (such as structural, functional, and spatial information, amino acid conservation, physicochemical variation, residue mobility, and thermodynamic stability) has been performed at Invitae for this missense variant, however the output from this modeling did not meet the statistical confidence thresholds required to predict the impact of this variant on JAG1 protein function. In summary, the available evidence is currently insufficient to determine the role of this variant in disease. Therefore, it has been classified as a Variant of Uncertain Significance.